The following is an entry in ClinVar:

ClinVar aggregate classification (germline): Uncertain significance (1 of 4 stars; one submission).

Allele frequency attached by ClinVar (database versions not stated): gnomAD exomes 0.00001; TOPMed 0.00002; gnomAD 0.00003.
gnomAD v4.1: 12 of 1,613,878 alleles (0.00074%); highest among the groups gnomAD compares: Non-Finnish European, 0.001%; no homozygotes.

Submission:

Labcorp Genetics (formerly Invitae), Labcorp
Classification: Uncertain significance. Last evaluated: 2023-10-06. Review status: criteria provided, single submitter. Criteria: Invitae Variant Classification Sherloc (09022015). Collection method: clinical testing. Allele origin: germline.
Comment: This sequence change disrupts the translational stop signal of the ZNF513 mRNA. It is expected to extend the length of the ZNF513 protein by 29 additional amino acid residues. This variant is not present in population databases (gnomAD no frequency). This variant has not been reported in the literature in individuals affected with ZNF513-related conditions. ClinVar contains an entry for this variant (Variation ID: 1487848). Experimental studies and prediction algorithms are not available or were not evaluated, and the functional significance of this variant is currently unknown. Algorithms developed to predict the effect of sequence changes on RNA splicing suggest that this variant may create or strengthen a splice site. In summary, the available evidence is currently insufficient to determine the role of this variant in disease. Therefore, it has been classified as a Variant of Uncertain Significance.

NM_144631.6(ZNF513):c.1625G>T (p.Ter542Leu)

Gene: ZNF513 (zinc finger protein 513; minus strand). Cytogenetic location: 2p23.3.
Variant type: single nucleotide variant.
Coding change: c.1625G>T on transcript NM_144631.6 (MANE Select); coding-DNA position 1625, G replaced by T.
Protein change: p.Ter542Leu.
Molecular consequence: stop lost.
Genome position (GRCh38, 1-based): chr2:27,377,546, C>A on the plus strand (G>T on the coding strand, the complement: ZNF513 is on the minus strand). VCF-style: chr2-27377546-C-A. GRCh37 (hg19) VCF-style: chr2-27600413-C-A.
Other names: c.1439G>T, p.Ter480Leu (NM_001201459.2).
Identifiers: ClinVar variation 1487848 (VCV001487848.6), dbSNP rs1024145965, ClinGen allele CA44528115.